The following is an entry in ClinVar:

ClinVar aggregate classification (germline): Pathogenic/Likely pathogenic. Review status: criteria provided, multiple submitters, no conflicts (2 of 4 stars). 8 submissions from 8 submitters: Pathogenic (5); Likely pathogenic (2). 1 of the submissions does not count toward it. Last evaluated 2026-06-21.

Conditions:
Steroid-resistant nephrotic syndrome. Identifiers: MedGen C0403397, MONDO:0044765, HP:0012588.
Nephrotic syndrome, type 2 (NPHS2). Also called: NEPHROTIC SYNDROME, STEROID-RESISTANT, AUTOSOMAL RECESSIVE. Identifiers: Orphanet 656, MedGen C1868672, MONDO:0010974, OMIM 600995.

Submissions (8):

Victorian Clinical Genetics Services, Murdoch Childrens Research Institute
Classification: Pathogenic for Nephrotic syndrome, type 2. Last evaluated: 2026-06-21. Review status: criteria provided, single submitter. Criteria: ACMG Guidelines, 2015. Collection method: clinical testing. Allele origin: germline. Affected: yes.
Comment: This variant is classified as Pathogenic. Evidence in support of pathogenic classification: Variant is predicted to cause nonsense-mediated decay (NMD) and loss of protein (premature termination codon is located at least 54 nucleotides upstream of the final exon-exon junction); Variant is present in gnomAD <0.01 for a recessive condition (v4: 18 heterozygote(s), 0 homozygote(s)); This variant has strong previous evidence of pathogenicity in unrelated individuals. This variant has been classified as pathogenic or likely pathogenic by clinical laboratories in ClinVar; Other NMD-predicted variant(s) comparable to the one identified in this case have very strong previous evidence for pathogenicity (DECIPHER). Additional information: This variant is heterozygous; This gene is associated with autosomal recessive disease; Loss of function is a known mechanism of disease in this gene and is associated with nephrotic syndrome, type 2 (MIM#600995); Inheritance information for this variant is not currently available in this individual.

Natera, Inc.
Classification: Pathogenic for Steroid-resistant nephrotic syndrome. Last evaluated: 2025-08-19. Review status: criteria provided, single submitter. Criteria: Natera Variant Classification Schema (03/2026). Collection method: clinical testing. Allele origin: germline.
Comment: The c.156delG variant in NPHS2 is a frameshift variant predicted to shift the reading frame beginning at codon 53 and leads to a stop codon 46 codons downstream. This variant is expected to result in nonsense mediated decay, truncation, or a dysfunctional protein product. This variant is rare in the general population with a frequency below the threshold expected for the associated phenotype(s). This variant has been observed in one or more individuals affected with the associated recessive disease, as either homozygous or compound heterozygous with a second variant (PMID: 28117080, 36245711). Given the available evidence, this variant is classified as Pathogenic.

Labcorp Genetics (formerly Invitae), Labcorp
Classification: Pathogenic. Last evaluated: 2024-02-06. Review status: criteria provided, single submitter. Criteria: Invitae Variant Classification Sherloc (09022015). Collection method: clinical testing. Allele origin: germline.
Comment: This sequence change creates a premature translational stop signal (p.Thr53Profs*46) in the NPHS2 gene. It is expected to result in an absent or disrupted protein product. Loss-of-function variants in NPHS2 are known to be pathogenic (PMID: 10742096, 14701729, 15253708, 23595123). This variant is not present in population databases (gnomAD no frequency). This premature translational stop signal has been observed in individual(s) with nephrotic syndrome (PMID: 28117080). ClinVar contains an entry for this variant (Variation ID: 495108). For these reasons, this variant has been classified as Pathogenic.

Genome-Nilou Lab
Classification: Likely pathogenic for Nephrotic syndrome, type 2. Last evaluated: 2023-04-11. Review status: criteria provided, single submitter. Criteria: ACMG Guidelines, 2015. Collection method: clinical testing. Allele origin: germline. Affected: no.

Institute of Human Genetics Munich, TUM University Hospital
Classification: Pathogenic for Nephrotic syndrome, type 2. Last evaluated: 2019-06-07. Review status: criteria provided, single submitter. Criteria: Classification criteria August 2017. Collection method: clinical testing. Allele origin: germline. Inheritance: Autosomal recessive inheritance. Affected: yes. Observed: 1 heterozygote.

Tehran Medical Genetics Laboratory
Classification: Likely pathogenic for Nephrotic syndrome, type 2. Last evaluated: 2017-03-30. Review status: criteria provided, single submitter. Criteria: ACMG Guidelines, 2015. Collection method: clinical testing. Allele origin: inherited. Inheritance: Autosomal recessive inheritance. Affected: yes. Observed: 1 variant allele, 1 homozygote.

Kariminejad - Najmabadi Pathology & Genetics Center
Classification: Pathogenic for Nephrotic syndrome, type 2. Review status: criteria provided, single submitter. Criteria: ACMG Guidelines, 2015. Collection method: clinical testing. Allele origin: germline. Affected: no.

Counsyl
Classification: Likely pathogenic for Nephrotic syndrome, type 2. Last evaluated: 2017-10-24. Review status: no assertion criteria provided. Collection method: clinical testing. Allele origin: unknown. Not counted in ClinVar's aggregate classification.

Literature cited by the submitters: PubMed 28117080 (cited by 3 submitters); PubMed 36245711 (cited by Natera, Inc.); PubMed 10742096 (cited by Labcorp Genetics (formerly Invitae), Labcorp); PubMed 14701729 (cited by Labcorp Genetics (formerly Invitae), Labcorp); PubMed 15253708 (cited by Labcorp Genetics (formerly Invitae), Labcorp); PubMed 23595123 (cited by Labcorp Genetics (formerly Invitae), Labcorp).

NM_014625.4(NPHS2):c.156del (p.Thr53fs)

Gene: NPHS2 (NPHS2 stomatin family member, podocin; minus strand). Cytogenetic location: 1q25.2.
Variant type: Deletion.
Coding change: c.156del on transcript NM_014625.4 (MANE Select); coding-DNA position 156, one base deleted (G; older notation c.156delG).
Protein change: p.Thr53fs; shifts the reading frame from threonine 53.
Molecular consequence: frameshift variant.
Genome position (GRCh38, 1-based): chr1:179,575,709, C deleted on the plus strand (G on the coding strand, the reverse complement: NPHS2 is on the minus strand); the first of 4 consecutive C bases (chr1:179,575,709-179,575,712); deleting any one gives the same sequence. VCF-style (leftmost placement, unchanged base first): chr1-179575708-TC-T. GRCh37 (hg19) VCF-style: chr1-179544843-TC-T.
Other names: c.156del, p.Thr53fs (NM_001297575.2); c.156delG (NM_014625.3); short protein forms T53fs.
Identifiers: ClinVar variation 495108 (VCV000495108.18), dbSNP rs1272948499, ClinGen allele CA658683169.